The following is an entry in ClinVar:

ClinVar aggregate classification (germline): Conflicting classifications of pathogenicity. Review status: criteria provided, conflicting classifications (1 of 4 stars). 5 submissions from 5 submitters: Uncertain significance (3); Likely benign (2). Last evaluated 2026-05-27.

Conditions:
KIT-related disorder. Also called: KIT-related condition.
Hereditary cancer-predisposing syndrome. Also called: Neoplastic Syndromes, Hereditary; Tumor predisposition; Hereditary Cancer Syndrome; Hereditary neoplastic syndrome. Identifiers: Orphanet 140162, MedGen C0027672, MeSH D009386, MONDO:0015356.
Gastrointestinal stromal tumor. Also called: Gastrointestinal stroma tumor; Gastrointestinal stromal tumor, somatic. Identifiers: Orphanet 44890, MedGen C0238198, MeSH D046152, MONDO:0011719, OMIM 606764, HP:0100723.

Allele frequency attached by ClinVar (database versions not stated): gnomAD exomes 0.00002 and 0.00006; ExAC 0.00009; TOPMed 0.00013; ESP Exome Variant Server 0.00015; gnomAD 0.00019 and 0.00021.
gnomAD v4.1: 64 of 1,614,044 alleles (0.004%); highest among the groups gnomAD compares: African/African-American, 0.051%; no homozygotes.

Submissions (5):

Myriad Genetics, Inc.
Classification: Likely benign for Gastrointestinal stromal tumor. Last evaluated: 2026-05-27. Review status: criteria provided, single submitter. Criteria: Myriad Autosomal Dominant, Autosomal Recessive and X-Linked Classification Criteria (2023). Collection method: clinical testing. Allele origin: unknown.
Comment: This variant is considered likely benign. This variant has been observed at a population frequency that is significantly greater than expected given the associated disease prevalence and penetrance.

PreventionGenetics, part of Exact Sciences
Classification: Uncertain significance for KIT-related condition. Last evaluated: 2026-05-03. Review status: criteria provided, single submitter. Criteria: ACMG Guidelines, 2015. Collection method: clinical testing. Allele origin: germline.
Comment: The KIT c.1486G>A variant is predicted to result in the amino acid substitution p.Asp496Asn. To our knowledge, this variant has not been reported in the literature. This variant is reported in 0.032% of alleles in individuals of African descent in gnomAD and has conflicting interpretations of likely benign and uncertain significance in ClinVar (Variation: 409753). Although we suspect that this variant may be benign, at this time, the clinical significance of this variant is uncertain due to the absence of conclusive functional and genetic evidence.

Labcorp Genetics (formerly Invitae), Labcorp
Classification: Uncertain significance for Gastrointestinal stromal tumor. Last evaluated: 2026-01-26. Review status: criteria provided, single submitter. Criteria: Invitae Variant Classification Sherloc (09022015). Collection method: clinical testing. Allele origin: germline.
Comment: This sequence change replaces aspartic acid, which is acidic and polar, with asparagine, which is neutral and polar, at codon 496 of the KIT protein (p.Asp496Asn). This variant is present in population databases (rs143179681, gnomAD 0.03%). This variant has not been reported in the literature in individuals affected with KIT-related conditions. ClinVar contains an entry for this variant (Variation ID: 409753). An algorithm developed to predict the effect of missense changes on protein structure and function outputs the following: PolyPhen-2: "Benign". The asparagine amino acid residue is found in multiple mammalian species, which suggests that this missense change does not adversely affect protein function. In summary, the available evidence is currently insufficient to determine the role of this variant in disease. Therefore, it has been classified as a Variant of Uncertain Significance.

Ambry Genetics
Classification: Likely benign for Hereditary cancer-predisposing syndrome. Last evaluated: 2023-05-25. Review status: criteria provided, single submitter. Criteria: Ambry Variant Classification Scheme 2023. Collection method: clinical testing. Allele origin: germline.

GeneDx
Classification: Uncertain significance. Last evaluated: 2023-04-27. Review status: criteria provided, single submitter. Criteria: GeneDx Variant Classification Process June 2021. Collection method: clinical testing. Allele origin: germline. Affected: yes.
Comment: In silico analysis supports that this missense variant does not alter protein structure/function; Has not been previously published as pathogenic or benign to our knowledge; This variant is associated with the following publications: (PMID: 25343854, 25595173, 28327988)

NM_000222.3(KIT):c.1486G>A (p.Asp496Asn)

Gene: KIT (KIT proto-oncogene, receptor tyrosine kinase; plus strand). Cytogenetic location: 4q12.
Variant type: single nucleotide variant.
Coding change: c.1486G>A on transcript NM_000222.3 (MANE Select); coding-DNA position 1486, G replaced by A.
Protein change: p.Asp496Asn; replaces aspartic acid 496 with asparagine.
Molecular consequence: missense variant.
Genome position (GRCh38, 1-based): chr4:54,725,996, G>A. VCF-style: chr4-54725996-G-A. GRCh37 (hg19) VCF-style: chr4-55592162-G-A.
Other names: c.1486G>A, p.Asp496Asn (NM_001093772.2, NM_001385285.1, NM_001385286.1); c.1489G>A, p.Asp497Asn (NM_001385284.1, NM_001385288.1, NM_001385290.1 and 1 more transcripts); short protein forms D496N, D497N.
Identifiers: ClinVar variation 409753 (VCV000409753.19), dbSNP rs143179681, ClinGen allele CA2923497.
Genomic context (GRCh38, chr4:54,725,996, plus strand): 5'-AGTTCTATAGATTCTAGTGCATTCAAGCACAATGGCACGGTTGAATGTAAGGCTTACAAC[G>A]ATGTGGGCAAGACTTCTGCCTATTTTAACTTTGCATTTAAAGGTAACAACAAAGGTATAT-3'
Protein context (NP_000213.1, residues 486-506): NGTVECKAYN[Asp496Asn]VGKTSAYFNF